The following is an entry in ClinVar:

NM_000540.3(RYR1):c.7909G>A (p.Ala2637Thr)

Gene: RYR1 (ryanodine receptor 1; plus strand). Cytogenetic location: 19q13.2.
Variant type: single nucleotide variant.
Coding change: c.7909G>A on transcript NM_000540.3 (MANE Select); coding-DNA position 7909, G replaced by A.
Protein change: p.Ala2637Thr; replaces alanine 2637 with threonine.
Molecular consequence: missense variant.
Genome position (GRCh38, 1-based): chr19:38,502,953, G>A. VCF-style: chr19-38502953-G-A. GRCh37 (hg19) VCF-style: chr19-38993593-G-A.
Other names: c.7909G>A, p.Ala2637Thr (NM_001042723.2); short protein forms A2637T.
Identifiers: ClinVar variation 5028636 (VCV005028636.1).

ClinVar aggregate classification (germline): Uncertain significance (1 of 4 stars; one submission).

Conditions:
Inborn genetic diseases. Identifiers: MedGen C0950123, MeSH D030342.

gnomAD v4.1: 1 of 1,609,876 alleles (0.000062%); highest among the groups gnomAD compares: Non-Finnish European, 0.000085%; no homozygotes.

Submission:

Ambry Genetics
Classification: Uncertain significance for Inborn genetic diseases. Last evaluated: 2026-07-07. Review status: criteria provided, single submitter. Criteria: Ambry Variant Classification Scheme 2023. Collection method: clinical testing. Allele origin: germline.
Comment: The p.A2637T variant (also known as c.7909G>A), located in coding exon 49 of the RYR1 gene, results from a G to A substitution at nucleotide position 7909. The alanine at codon 2637 is replaced by threonine, an amino acid with similar properties. This amino acid position is conserved. In addition, this alteration is predicted to be tolerated by in silico analysis. Based on the available evidence, the clinical significance of this variant remains unclear.